The following is an entry in ClinVar:

ClinVar aggregate classification (germline): Conflicting classifications of pathogenicity. Review status: criteria provided, conflicting classifications (1 of 4 stars). 4 submissions from 4 submitters: Pathogenic (1); Likely pathogenic (1); Uncertain significance (2). Last evaluated 2025-10-02.

Conditions:
Migraine, familial hemiplegic, 3. Identifiers: Orphanet 569, MedGen C1864987, MONDO:0012320, OMIM 609634.
Developmental and epileptic encephalopathy 6B. Also called: Developmental and epileptic encephalopathy 6B, non-Dravet. Identifiers: MedGen C5543353, MONDO:0030268, OMIM 619317.
Severe myoclonic epilepsy in infancy (DRVT). Also called: Dravet syndrome; Epileptic encephalopathy, early infantile, 6 (Dravet syndrome); SEVERE MYOCLONIC EPILEPSY OF INFANCY; DEVELOPMENTAL AND EPILEPTIC ENCEPHALOPATHY 6A; Severe Myoclonic Epilepsy in Infancy (SMEI). Identifiers: Orphanet 33069, MedGen C0751122, MONDO:0100135, OMIM 607208.
Generalized epilepsy with febrile seizures plus, type 2 (GEFSP2). Also called: GEFS+, TYPE 2. Identifiers: Orphanet 36387, MedGen C1858673, MONDO:0011461, OMIM 604403.
Early-infantile DEE. Also called: Ohtahara syndrome; Early infantile epileptic encephalopathy; Early infantile epileptic encephalopathy with suppression bursts. Identifiers: Orphanet 1934, MedGen C0393706, MONDO:0800491.

Allele frequency attached by ClinVar (database versions not stated): gnomAD exomes below 0.00001 and 0.00001; gnomAD 0.00001.
gnomAD v4.1: 3 of 1,613,462 alleles (0.00019%); highest among the groups gnomAD compares: Non-Finnish European, 0.00025%; no homozygotes.

Submissions (4):

Labcorp Genetics (formerly Invitae), Labcorp
Classification: Pathogenic for Early-infantile DEE. Last evaluated: 2025-10-02. Review status: criteria provided, single submitter. Criteria: Invitae Variant Classification Sherloc (09022015). Collection method: clinical testing. Allele origin: germline.
Comment: This sequence change replaces isoleucine, which is neutral and non-polar, with threonine, which is neutral and polar, at codon 747 of the SCN1A protein (p.Ile747Thr). This variant is present in population databases (no rsID available, gnomAD 0.002%). This missense change has been observed in individual(s) with clinical features of SCN1A-related conditions (PMID: 33391346). In at least one individual the variant was observed to be de novo. This variant is also known as c.2207T>C (p.Ile736Thr). ClinVar contains an entry for this variant (Variation ID: 871913). Invitae Evidence Modeling of protein sequence and biophysical properties (such as structural, functional, and spatial information, amino acid conservation, physicochemical variation, residue mobility, and thermodynamic stability) indicates that this missense variant is expected to disrupt SCN1A protein function with a positive predictive value of 95%. For these reasons, this variant has been classified as Pathogenic.

GeneDx
Classification: Likely pathogenic. Last evaluated: 2023-01-10. Review status: criteria provided, single submitter. Criteria: GeneDx Variant Classification Process June 2021. Collection method: clinical testing. Allele origin: germline. Affected: yes.
Comment: In silico analysis supports that this missense variant has a deleterious effect on protein structure/function; This substitution is predicted to be in the cytoplasmic loop between the first and second homologous domains; Missense variants in this gene are often considered pathogenic (HGMD); Not observed at significant frequency in large population cohorts (gnomAD); This variant is associated with the following publications: (PMID: 32055024, 33391346)

CeGaT Center for Human Genetics Tuebingen
Classification: Uncertain significance. Last evaluated: 2020-01-01. Review status: criteria provided, single submitter. Criteria: CeGaT Center For Human Genetics Tuebingen Variant Classification Criteria Version 2. Collection method: clinical testing. Allele origin: germline. Affected: yes. Observed: 1 variant allele.

Juno Genomics, Hangzhou Juno Genomics, Inc
Classification: Uncertain significance for Developmental and epileptic encephalopathy 6B; Severe myoclonic epilepsy in infancy; Generalized epilepsy with febrile seizures plus, type 2; Migraine, familial hemiplegic, 3. Review status: criteria provided, single submitter. Criteria: ACMG Guidelines, 2015. Collection method: clinical testing. Allele origin: germline. Affected: yes.
Comment: Absent from controls (or at extremely low frequency if recessive) in Genome Aggregation Database, Exome Sequencing Project, 1000 Genomes Project, or Exome Aggregation Consortium.;Multiple lines of computational evidence support a deleterious effect on the gene or gene product (conservation, evolutionary, splicing impact, etc).;The prevalence of the variant in affected individuals is significantly increased compared to the prevalence in controls.

Literature cited by the submitters: PubMed 33391346 (cited by Labcorp Genetics (formerly Invitae), Labcorp).

NM_001165963.4(SCN1A):c.2240T>C (p.Ile747Thr)

Gene: SCN1A (sodium voltage-gated channel alpha subunit 1; minus strand). Cytogenetic location: 2q24.3.
Variant type: single nucleotide variant.
Coding change: c.2240T>C on transcript NM_001165963.4 (MANE Select); coding-DNA position 2240, T replaced by C.
Protein change: p.Ile747Thr; replaces isoleucine 747 with threonine.
Molecular consequence: missense variant. On other transcripts: 5 prime UTR variant (1), non-coding transcript variant (1).
Genome position (GRCh38, 1-based): chr2:166,041,406, A>G on the plus strand (T>C on the coding strand, the complement: SCN1A is on the minus strand). VCF-style: chr2-166041406-A-G. GRCh37 (hg19) VCF-style: chr2-166897916-A-G.
Other names: c.2156T>C, p.Ile719Thr (NM_001165964.3, NM_001353957.2, NM_001353958.2); c.2240T>C, p.Ile747Thr (NM_001202435.3, NM_001353948.2); c.2207T>C, p.Ile736Thr (NM_001353949.2, NM_001353950.2, NM_001353951.2 and 2 more transcripts); c.2204T>C, p.Ile735Thr (NM_001353954.2, NM_001353955.2); c.2153T>C, p.Ile718Thr (NM_001353960.2); c.-219T>C (NM_001353961.2); short protein forms I719T, I718T, I735T, I747T, I736T.
Identifiers: ClinVar variation 871913 (VCV000871913.52), dbSNP rs980156920, ClinGen allele CA59791966.